The following is an entry in ClinVar:

ClinVar aggregate classification (germline): Conflicting classifications of pathogenicity. Review status: criteria provided, conflicting classifications (1 of 4 stars). 3 submissions from 3 submitters: Uncertain significance (1); Likely benign (2). Last evaluated 2026-05-18.

Conditions:
Dilated cardiomyopathy 1G (CMD1G). Identifiers: Orphanet 154, MedGen C1858763, MONDO:0011400, OMIM 604145.
Autosomal recessive limb-girdle muscular dystrophy type 2J (LGMDR10). Also called: Limb-girdle muscular dystrophy, type 2J; MUSCULAR DYSTROPHY, LIMB-GIRDLE, AUTOSOMAL RECESSIVE 10. Identifiers: Orphanet 140922, MedGen C1837342, MONDO:0012127, OMIM 608807.

Allele frequency attached by ClinVar (database versions not stated): gnomAD exomes below 0.00001 and 0.00001; 1000 Genomes Project 30x 0.00016; gnomAD 0.00001; ExAC 0.00002; ESP Exome Variant Server 0.00008; TOPMed 0.00003; 1000 Genomes Project 0.00020.
gnomAD v4.1: 7 of 1,613,904 alleles (0.00043%); highest among the groups gnomAD compares: African/African-American, 0.0053%; no homozygotes.

Submissions (3):

Women's Health and Genetics/Laboratory Corporation of America, LabCorp
Classification: Likely benign. Last evaluated: 2026-05-18. Review status: criteria provided, single submitter. Criteria: LabCorp Variant Classification Summary - May 2015. Collection method: clinical testing. Allele origin: germline.

Labcorp Genetics (formerly Invitae), Labcorp
Classification: Likely benign for Dilated cardiomyopathy 1G; Autosomal recessive limb-girdle muscular dystrophy type 2J. Last evaluated: 2025-12-03. Review status: criteria provided, single submitter. Criteria: Invitae Variant Classification Sherloc (09022015). Collection method: clinical testing. Allele origin: germline.

Laboratory for Molecular Medicine, Mass General Brigham Personalized Medicine
Classification: Uncertain significance. Last evaluated: 2016-04-29. Review status: criteria provided, single submitter. Criteria: LMM Criteria. Collection method: clinical testing. Allele origin: germline. Observed: 1 variant allele.
Comment: The c.26702-15G>A variant in TTN has not been previously reported in individuals with cardiomyopathy, but has been identified in 2/9778 African chromosomes by t he Exome Aggregation Consortium (ExAC; dbSNP rs3 73562293). This variant is located in the 3' splice region. Computational tools do not suggest an impact to splicing. However, this information is not predictiv e enough to rule out pathogenicity. In summary, the clinical significance of the c.26702-15G>A variant is uncertain.

NM_001267550.2(TTN):c.30434-15G>A

Gene: TTN (titin; minus strand). Cytogenetic location: 2q31.2.
Variant type: single nucleotide variant.
Coding change: c.30434-15G>A on transcript NM_001267550.2 (MANE Select); 15 bases into the intron before coding-DNA position 30434, G replaced by A.
Molecular consequence: intron variant.
Genome position (GRCh38, 1-based): chr2:178,702,260, C>T on the plus strand (G>A on the coding strand, the complement: TTN is on the minus strand). VCF-style: chr2-178702260-C-T. GRCh37 (hg19) VCF-style: chr2-179566987-C-T.
Other names: c.13282+35822G>A (NM_003319.4); c.13858+35822G>A (NM_133437.4); c.13657+35822G>A (NM_133432.3); c.26702-15G>A (NM_133378.4); c.29483-15G>A (NM_001256850.1).
Identifiers: ClinVar variation 504749 (VCV000504749.14), dbSNP rs373562293, ClinGen allele CA1999168.